The following is an entry in ClinVar:

NM_000535.7(PMS2):c.101G>A (p.Ser34Asn)

Gene: PMS2 (PMS1 homolog 2, mismatch repair system component; minus strand). Cytogenetic location: 7p22.1.
Variant type: single nucleotide variant.
Coding change: c.101G>A on transcript NM_000535.7 (MANE Select); coding-DNA position 101, G replaced by A.
Protein change: p.Ser34Asn; replaces serine 34 with asparagine.
Molecular consequence: missense variant. On other transcripts: 5 prime UTR variant (8), non-coding transcript variant (1), intron variant (3).
Genome position (GRCh38, 1-based): chr7:6,005,954, C>T on the plus strand (G>A on the coding strand, the complement: PMS2 is on the minus strand). VCF-style: chr7-6005954-C-T. GRCh37 (hg19) VCF-style: chr7-6045585-C-T.
Other names: c.-305G>A (NM_001322003.2, NM_001322005.2, NM_001322009.2 and 1 more transcripts); c.101G>A, p.Ser34Asn (NM_001322006.2, NM_001322014.2); c.-115G>A (NM_001322007.2); c.-784G>A (NM_001322011.2, NM_001322012.2); c.-384G>A (NM_001322015.2); c.-52-1896G>A (NM_001322008.2); c.-242-1896G>A (NM_001322010.2, NM_001322004.2); short protein forms S34N.
Identifiers: ClinVar variation 1063820 (VCV001063820.9), dbSNP rs370612538, ClinGen allele CA366745062.

ClinVar aggregate classification (germline): Uncertain significance. Review status: criteria provided, multiple submitters, no conflicts (2 of 4 stars). 2 submissions from 2 submitters: Uncertain significance (2). Last evaluated 2025-04-07.

Conditions:
Hereditary cancer-predisposing syndrome. Also called: Hereditary Cancer Syndrome; Hereditary neoplastic syndrome; Neoplastic Syndromes, Hereditary; Tumor predisposition. Identifiers: Orphanet 140162, MedGen C0027672, MeSH D009386, MONDO:0015356.
Hereditary nonpolyposis colorectal neoplasms. Identifiers: MedGen C0009405, MeSH D003123.

gnomAD v4.1: 1 of 1,610,836 alleles (0.000062%); highest among the groups gnomAD compares: South Asian, 0.0011%; no homozygotes.

Submissions (2):

Labcorp Genetics (formerly Invitae), Labcorp
Classification: Uncertain significance for Hereditary nonpolyposis colorectal neoplasms. Last evaluated: 2025-04-07. Review status: criteria provided, single submitter. Criteria: Invitae Variant Classification Sherloc (09022015). Collection method: clinical testing. Allele origin: germline.
Comment: This sequence change replaces serine, which is neutral and polar, with asparagine, which is neutral and polar, at codon 34 of the PMS2 protein (p.Ser34Asn). This variant is present in population databases (no rsID available, gnomAD 0.003%). This variant has not been reported in the literature in individuals affected with PMS2-related conditions. ClinVar contains an entry for this variant (Variation ID: 1063820). Invitae Evidence Modeling incorporating data from in vitro experimental studies (internal data) indicates that this missense variant is not expected to disrupt PMS2 function with a negative predictive value of 95%. In summary, the available evidence is currently insufficient to determine the role of this variant in disease. Therefore, it has been classified as a Variant of Uncertain Significance.

Ambry Genetics
Classification: Uncertain significance for Hereditary cancer-predisposing syndrome. Last evaluated: 2021-09-22. Review status: criteria provided, single submitter. Criteria: Ambry Variant Classification Scheme 2023. Collection method: clinical testing. Allele origin: germline.
Comment: The p.S34N variant (also known as c.101G>A), located in coding exon 2 of the PMS2 gene, results from a G to A substitution at nucleotide position 101. The serine at codon 34 is replaced by asparagine, an amino acid with highly similar properties. This amino acid position is not well conserved in available vertebrate species. In addition, this alteration is predicted to be tolerated by in silico analysis. Since supporting evidence is limited at this time, the clinical significance of this alteration remains unclear.